The following is an entry in ClinVar:

NM_001165963.4(SCN1A):c.3191A>G (p.Asn1064Ser)

Genes: SCN1A (sodium voltage-gated channel alpha subunit 1; minus strand), LOC102724058 (uncharacterized LOC102724058; plus strand). Cytogenetic location: 2q24.3.
Variant type: single nucleotide variant.
Coding change: c.3191A>G on transcript NM_001165963.4 (MANE Select); coding-DNA position 3191, A replaced by G.
Protein change: p.Asn1064Ser; replaces asparagine 1064 with serine.
Molecular consequence: missense variant. On other transcripts: non-coding transcript variant (2).
Genome position (GRCh38, 1-based): chr2:166,036,286, T>C on the plus strand (A>G on the coding strand, the complement: SCN1A is on the minus strand). VCF-style: chr2-166036286-T-C. GRCh37 (hg19) VCF-style: chr2-166892796-T-C.
Other names: c.3107A>G, p.Asn1036Ser (NM_001165964.3, NM_001353957.2, NM_001353958.2); c.3191A>G, p.Asn1064Ser (NM_001202435.3, NM_001353948.2); c.3158A>G, p.Asn1053Ser (NM_001353949.2, NM_001353950.2, NM_001353951.2 and 2 more transcripts); c.3155A>G, p.Asn1052Ser (NM_001353954.2, NM_001353955.2); c.3104A>G, p.Asn1035Ser (NM_001353960.2); c.749A>G, p.Asn250Ser (NM_001353961.2); short protein forms N1035S, N1053S, N1064S, N1036S, N1052S, N250S.
Identifiers: ClinVar variation 1728674 (VCV001728674.6), dbSNP rs749432535, ClinGen allele CA1942998.

ClinVar aggregate classification (germline): Uncertain significance. Review status: criteria provided, multiple submitters, no conflicts (2 of 4 stars). 3 submissions from 3 submitters: Uncertain significance (3). Last evaluated 2025-06-17.

Conditions:
Inborn genetic diseases. Identifiers: MedGen C0950123, MeSH D030342.
Early-infantile DEE. Also called: Early infantile epileptic encephalopathy; Ohtahara syndrome; Early infantile epileptic encephalopathy with suppression bursts. Identifiers: Orphanet 1934, MedGen C0393706, MONDO:0800491.

Allele frequency attached by ClinVar (database versions not stated): ExAC 0.00002.
gnomAD v4.1: 13 of 1,613,726 alleles (0.00081%); highest among the groups gnomAD compares: Non-Finnish European, 0.001%; no homozygotes.

Submissions (3):

Labcorp Genetics (formerly Invitae), Labcorp
Classification: Uncertain significance for Early-infantile DEE. Last evaluated: 2025-06-17. Review status: criteria provided, single submitter. Criteria: Invitae Variant Classification Sherloc (09022015). Collection method: clinical testing. Allele origin: germline.
Comment: This sequence change replaces asparagine, which is neutral and polar, with serine, which is neutral and polar, at codon 1064 of the SCN1A protein (p.Asn1064Ser). This variant is present in population databases (rs749432535, gnomAD 0.002%). This variant has not been reported in the literature in individuals affected with SCN1A-related conditions. ClinVar contains an entry for this variant (Variation ID: 1728674). Invitae Evidence Modeling of protein sequence and biophysical properties (such as structural, functional, and spatial information, amino acid conservation, physicochemical variation, residue mobility, and thermodynamic stability) indicates that this missense variant is expected to disrupt SCN1A protein function with a positive predictive value of 80%. In summary, the available evidence is currently insufficient to determine the role of this variant in disease. Therefore, it has been classified as a Variant of Uncertain Significance.

Blueprint Genetics
Classification: Uncertain significance. Last evaluated: 2024-09-05. Review status: criteria provided, single submitter. Criteria: ACMG Guidelines, 2015. Collection method: clinical testing. Allele origin: germline.

Ambry Genetics
Classification: Uncertain significance for Inborn genetic diseases. Last evaluated: 2019-07-02. Review status: criteria provided, single submitter. Criteria: Ambry Variant Classification Scheme 2023. Collection method: clinical testing. Allele origin: germline.
Comment: The p.N1064S variant (also known as c.3191A>G), located in coding exon 16 of the SCN1A gene, results from an A to G substitution at nucleotide position 3191. The asparagine at codon 1064 is replaced by serine, an amino acid with highly similar properties. This amino acid position is highly conserved in available vertebrate species. In addition, this alteration is predicted to be tolerated by in silico analysis. Since supporting evidence is limited at this time, the clinical significance of this alteration remains unclear.